The following is an entry in ClinVar:

NM_001035.3(RYR2):c.11562T>G (p.Phe3854Leu)

Gene: RYR2 (ryanodine receptor 2; plus strand). Cytogenetic location: 1q43.
Variant type: single nucleotide variant.
Coding change: c.11562T>G on transcript NM_001035.3 (MANE Select); coding-DNA position 11562, T replaced by G.
Protein change: p.Phe3854Leu; replaces phenylalanine 3854 with leucine.
Molecular consequence: missense variant.
Genome position (GRCh38, 1-based): chr1:237,772,016, T>G. VCF-style: chr1-237772016-T-G. GRCh37 (hg19) VCF-style: chr1-237935316-T-G.
Other names: short protein forms F3854L.
Identifiers: ClinVar variation 3372459 (VCV003372459.1).

ClinVar aggregate classification (germline): Uncertain significance (1 of 4 stars; one submission).

Submission:

GeneDx
Classification: Uncertain significance. Last evaluated: 2024-04-12. Review status: criteria provided, single submitter. Criteria: GeneDx Variant Classification Process June 2021. Collection method: clinical testing. Allele origin: germline. Affected: yes.
Comment: Has not been previously published as pathogenic or benign to our knowledge; Not observed at significant frequency in large population cohorts (gnomAD); In silico analysis supports that this missense variant has a deleterious effect on protein structure/function; Located in one of the three hot-spot regions of the RYR2 gene, where the majority of pathogenic missense variants occur (PMID: 19926015); This variant is associated with the following publications: (PMID: 19926015)